The following is an entry in ClinVar:

ClinVar aggregate classification (germline): Uncertain significance (1 of 4 stars; one submission).

Allele frequency attached by ClinVar (database versions not stated): TOPMed below 0.00001; gnomAD 0.00001.
gnomAD v4.1: 1 of 1,613,728 alleles (0.000062%); highest among the groups gnomAD compares: Non-Finnish European, 0.000085%; no homozygotes.

Submission:

CeGaT Center for Human Genetics Tuebingen
Classification: Uncertain significance. Last evaluated: 2023-03-01. Review status: criteria provided, single submitter. Criteria: CeGaT Center For Human Genetics Tuebingen Variant Classification Criteria Version 2. Collection method: clinical testing. Allele origin: germline. Affected: yes. Observed: 1 variant allele.
Comment: ARFGEF2: PM2, BP4

NM_006420.3(ARFGEF2):c.1060-4C>T

Gene: ARFGEF2 (ARF guanine nucleotide exchange factor 2; plus strand). Cytogenetic location: 20q13.13.
Variant type: single nucleotide variant.
Coding change: c.1060-4C>T on transcript NM_006420.3 (MANE Select); 4 bases into the intron before coding-DNA position 1060, C replaced by T.
Molecular consequence: intron variant.
Genome position (GRCh38, 1-based): chr20:48,969,143, C>T. VCF-style: chr20-48969143-C-T. GRCh37 (hg19) VCF-style: chr20-47585680-C-T.
Other names: c.1057-4C>T (NM_001410846.1).
Identifiers: ClinVar variation 2652382 (VCV002652382.24), dbSNP rs1189150302, ClinGen allele CA745084889.